The following is an entry in ClinVar:

ClinVar aggregate classification (germline): Likely risk allele (0 of 4 stars; one submission).

Conditions:
Pulmonary fibrosis. Identifiers: MedGen C0034069, MONDO:0002771, HP:0002206.

Submission:

Garcia Pulmonary Genetics Research Laboratory, Columbia University Irving Medical Center
Classification: Likely risk allele for Pulmonary fibrosis. Last evaluated: 2022-06-09. Review status: no assertion criteria provided. Collection method: research. Allele origin: germline. Affected: yes.
Comment: Leukocyte telomere length (by qPCR) less than 10th percentile age-adjusted

NM_198253.3(TERT):c.2033C>A (p.Ala678Asp)

Gene: TERT (telomerase reverse transcriptase; minus strand). Cytogenetic location: 5p15.33.
Variant type: single nucleotide variant.
Coding change: c.2033C>A on transcript NM_198253.3 (MANE Select); coding-DNA position 2033, C replaced by A.
Protein change: p.Ala678Asp; replaces alanine 678 with aspartic acid.
Molecular consequence: missense variant. On other transcripts: non-coding transcript variant (2).
Genome position (GRCh38, 1-based): chr5:1,279,388, G>T on the plus strand (C>A on the coding strand, the complement: TERT is on the minus strand). VCF-style: chr5-1279388-G-T. GRCh37 (hg19) VCF-style: chr5-1279503-G-T.
Other names: p.Ala678Asp; c.2033C>A, p.Ala678Asp (NM_001193376.3); short protein forms A678D.
Identifiers: ClinVar variation 1695954 (VCV001695954.1), dbSNP rs1749852602, ClinGen allele CA359080348.